The following is an entry in ClinVar:

NM_006005.3(WFS1):c.330C>A (p.Tyr110Ter)

Gene: WFS1 (wolframin ER transmembrane glycoprotein; plus strand). Cytogenetic location: 4p16.1.
Variant type: single nucleotide variant.
Coding change: c.330C>A on transcript NM_006005.3 (MANE Select); coding-DNA position 330, C replaced by A.
Protein change: p.Tyr110Ter; replaces tyrosine 110 with a stop codon.
Molecular consequence: nonsense.
Genome position (GRCh38, 1-based): chr4:6,289,001, C>A. VCF-style: chr4-6289001-C-A. GRCh37 (hg19) VCF-style: chr4-6290728-C-A.
Other names: c.330C>A, p.Tyr110Ter (NM_001145853.1); short protein forms Y110*.
Identifiers: ClinVar variation 523067 (VCV000523067.6), dbSNP rs1553876668, ClinGen allele CA356171265.

ClinVar aggregate classification (germline): Pathogenic. Review status: criteria provided, multiple submitters, no conflicts (2 of 4 stars). 2 submissions from 2 submitters: Pathogenic (2). Last evaluated 2017-12-18.

Conditions:
Wolfram syndrome 1 (WFS1). Identifiers: Orphanet 3463, MedGen C4551693, MONDO:0009101, OMIM 222300.
Type 2 diabetes mellitus. Also called: Type II diabetes mellitus. Identifiers: MedGen C0011860, MeSH D003924, MONDO:0005148, OMIM 125853, HP:0005978.

Submissions (2):

Genomic Research Center, Shahid Beheshti University of Medical Sciences
Classification: Pathogenic for Type 2 diabetes mellitus. Last evaluated: 2017-12-18. Review status: criteria provided, single submitter. Criteria: ACMG Guidelines, 2015. Collection method: clinical testing. Allele origin: inherited.

Clinical Genomics, Uppaluri K&H Personalized Medicine Clinic
Classification: Pathogenic for Wolfram syndrome 1. Review status: criteria provided, single submitter. Criteria: K & H Uppaluri Personalized Medicine Clinic Variant Classification & Assertion Criteria_Updated V.1. Collection method: research. Allele origin: unknown. Inheritance: Autosomal recessive inheritance.
Comment: Potent mutations in WFS1 gene are associated with Wolfram's syndrome, an autosomal recessive condition, which cause diabetes mellitus, diabetes insipidus, deafness and optic atrophy. However no sufficient evidence is found to ascertain the role of this particular variant rs1553876668 in Wolfram's syndrome yet.

Literature cited by the submitters: PubMed 20738327 (cited by Clinical Genomics, Uppaluri K&H Personalized Medicine Clinic); PubMed 33879153 (cited by Clinical Genomics, Uppaluri K&H Personalized Medicine Clinic); PubMed 12955714 (cited by Clinical Genomics, Uppaluri K&H Personalized Medicine Clinic); PubMed 18060660 (cited by Clinical Genomics, Uppaluri K&H Personalized Medicine Clinic); PubMed 20301750 (cited by Clinical Genomics, Uppaluri K&H Personalized Medicine Clinic); PubMed 17603484 (cited by Clinical Genomics, Uppaluri K&H Personalized Medicine Clinic).